The following is an entry in ClinVar:

ClinVar aggregate classification (germline): Uncertain significance (1 of 4 stars; one submission).

Allele frequency attached by ClinVar (database versions not stated): ExAC 0.00001; gnomAD 0.00001; gnomAD exomes 0.00001; TOPMed 0.00001; ESP Exome Variant Server 0.00008.

Submission:

Labcorp Genetics (formerly Invitae), Labcorp
Classification: Uncertain significance. Last evaluated: 2022-11-16. Review status: criteria provided, single submitter. Criteria: Invitae Variant Classification Sherloc (09022015). Collection method: clinical testing. Allele origin: germline.
Comment: Algorithms developed to predict the effect of missense changes on protein structure and function output the following: SIFT: "Tolerated"; PolyPhen-2: "Benign"; Align-GVGD: "Class C0". The serine amino acid residue is found in multiple mammalian species, which suggests that this missense change does not adversely affect protein function. This variant has not been reported in the literature in individuals affected with CREB3L3-related conditions. This variant is present in population databases (rs370931351, gnomAD 0.002%). This sequence change replaces proline, which is neutral and non-polar, with serine, which is neutral and polar, at codon 19 of the CREB3L3 protein (p.Pro19Ser). In summary, the available evidence is currently insufficient to determine the role of this variant in disease. Therefore, it has been classified as a Variant of Uncertain Significance.

NM_032607.3(CREB3L3):c.55C>T (p.Pro19Ser)

Gene: CREB3L3 (cAMP responsive element binding protein 3 like 3; plus strand). Cytogenetic location: 19p13.3.
Variant type: single nucleotide variant.
Coding change: c.55C>T on transcript NM_032607.3 (MANE Select); coding-DNA position 55, C replaced by T.
Protein change: p.Pro19Ser; replaces proline 19 with serine.
Molecular consequence: missense variant.
Genome position (GRCh38, 1-based): chr19:4,154,926, C>T. VCF-style: chr19-4154926-C-T. GRCh37 (hg19) VCF-style: chr19-4154923-C-T.
Other names: c.55C>T, p.Pro19Ser (NM_001271995.2, NM_001271996.2, NM_001271997.2); short protein forms P19S.
Identifiers: ClinVar variation 2887219 (VCV002887219.3), dbSNP rs370931351, ClinGen allele CA9091184.